The following is an entry in ClinVar:

NM_004329.3(BMPR1A):c.952T>C (p.Tyr318His)

Gene: BMPR1A (bone morphogenetic protein receptor type 1A; plus strand). Cytogenetic location: 10q23.2.
Variant type: single nucleotide variant.
Coding change: c.952T>C on transcript NM_004329.3 (MANE Select); coding-DNA position 952, T replaced by C.
Protein change: p.Tyr318His; replaces tyrosine 318 with histidine.
Molecular consequence: missense variant.
Genome position (GRCh38, 1-based): chr10:86,919,255, T>C. VCF-style: chr10-86919255-T-C. GRCh37 (hg19) VCF-style: chr10-88679012-T-C.
Other names: c.952T>C (NM_004329.2); short protein forms Y318H.
Identifiers: ClinVar variation 1056707 (VCV001056707.10), dbSNP rs2133590474, ClinGen allele CA377460221.

ClinVar aggregate classification (germline): Uncertain significance. Review status: criteria provided, multiple submitters, no conflicts (2 of 4 stars). 2 submissions from 2 submitters: Uncertain significance (2). Last evaluated 2025-02-09.

Conditions:
Juvenile polyposis syndrome (JPS). Identifiers: Orphanet 2929, MedGen C0345893, MONDO:0017380, OMIM 174900.
Hereditary cancer-predisposing syndrome. Also called: Tumor predisposition; Neoplastic Syndromes, Hereditary; Hereditary Cancer Syndrome; Hereditary neoplastic syndrome. Identifiers: Orphanet 140162, MedGen C0027672, MeSH D009386, MONDO:0015356.

Submissions (2):

Ambry Genetics
Classification: Uncertain significance for Hereditary cancer-predisposing syndrome. Last evaluated: 2025-02-09. Review status: criteria provided, single submitter. Criteria: Ambry Variant Classification Scheme 2023. Collection method: clinical testing. Allele origin: germline.
Comment: The p.Y318H variant (also known as c.952T>C), located in coding exon 8 of the BMPR1A gene, results from a T to C substitution at nucleotide position 952. The tyrosine at codon 318 is replaced by histidine, an amino acid with similar properties. This amino acid position is conserved. In addition, this alteration is predicted to be tolerated by in silico analysis. Based on the available evidence, the clinical significance of this variant remains unclear.

Labcorp Genetics (formerly Invitae), Labcorp
Classification: Uncertain significance for Juvenile polyposis syndrome. Last evaluated: 2024-12-12. Review status: criteria provided, single submitter. Criteria: Invitae Variant Classification Sherloc (09022015). Collection method: clinical testing. Allele origin: germline.
Comment: This sequence change replaces tyrosine, which is neutral and polar, with histidine, which is basic and polar, at codon 318 of the BMPR1A protein (p.Tyr318His). This variant is not present in population databases (gnomAD no frequency). This variant has not been reported in the literature in individuals affected with BMPR1A-related conditions. ClinVar contains an entry for this variant (Variation ID: 1056707). Invitae Evidence Modeling of protein sequence and biophysical properties (such as structural, functional, and spatial information, amino acid conservation, physicochemical variation, residue mobility, and thermodynamic stability) indicates that this missense variant is not expected to disrupt BMPR1A protein function with a negative predictive value of 80%. In summary, the available evidence is currently insufficient to determine the role of this variant in disease. Therefore, it has been classified as a Variant of Uncertain Significance.